The following is an entry in ClinVar:

ClinVar aggregate classification (germline): Uncertain significance. Review status: criteria provided, multiple submitters, no conflicts (2 of 4 stars). 2 submissions from 2 submitters: Uncertain significance (2). Last evaluated 2024-11-23.

Allele frequency attached by ClinVar (database versions not stated): gnomAD exomes 0.00004; ExAC 0.00007; gnomAD 0.00008; TOPMed 0.00015; 1000 Genomes Project 0.00040; 1000 Genomes Project 30x 0.00047.
gnomAD v4.1: 81 of 1,604,264 alleles (0.005%); highest among the groups gnomAD compares: East Asian, 0.08%; no homozygotes.

Submissions (2):

Labcorp Genetics (formerly Invitae), Labcorp
Classification: Uncertain significance. Last evaluated: 2024-11-23. Review status: criteria provided, single submitter. Criteria: Invitae Variant Classification Sherloc (09022015). Collection method: clinical testing. Allele origin: germline.
Comment: This sequence change replaces lysine, which is basic and polar, with arginine, which is basic and polar, at codon 19 of the NUP85 protein (p.Lys19Arg). This variant is present in population databases (rs201542143, gnomAD 0.1%). This variant has not been reported in the literature in individuals affected with NUP85-related conditions. ClinVar contains an entry for this variant (Variation ID: 2040625). An algorithm developed to predict the effect of missense changes on protein structure and function (PolyPhen-2) suggests that this variant¬†is likely to be tolerated. In summary, the available evidence is currently insufficient to determine the role of this variant in disease. Therefore, it has been classified as a Variant of Uncertain Significance.

Ambry Genetics
Classification: Uncertain significance. Last evaluated: 2023-08-22. Review status: criteria provided, single submitter. Criteria: Ambry Variant Classification Scheme 2023. Collection method: clinical testing. Allele origin: germline.
Comment: Does not currently meet published gene-disease clinical validity criteria Based on insufficient or conflicting evidence, the clinical significance of this alteration remains unclear.

Literature cited by the submitters: PubMed 28106320 (cited by Ambry Genetics).

NM_024844.5(NUP85):c.56A>G (p.Lys19Arg)

Gene: NUP85 (nucleoporin 85; plus strand). Cytogenetic location: 17q25.1.
Variant type: single nucleotide variant.
Coding change: c.56A>G on transcript NM_024844.5 (MANE Select); coding-DNA position 56, A replaced by G.
Protein change: p.Lys19Arg; replaces lysine 19 with arginine.
Molecular consequence: missense variant. On other transcripts: intron variant (1).
Genome position (GRCh38, 1-based): chr17:75,208,549, A>G. VCF-style: chr17-75208549-A-G. GRCh37 (hg19) VCF-style: chr17-73204644-A-G.
Other names: c.56A>G, p.Lys19Arg (NM_001330472.2); c.-11-1274A>G (NM_001303276.2); c.56A>G (NM_024844.3); short protein forms K19R.
Identifiers: ClinVar variation 2040625 (VCV002040625.5), dbSNP rs201542143, ClinGen allele CA8758299.